The following is an entry in ClinVar:

ClinVar aggregate classification (germline): Likely benign (0 of 4 stars; one submission).

Conditions:
SLC34A2-related disorder. Also called: SLC34A2-related condition.

Submission:

PreventionGenetics, part of Exact Sciences
Classification: Likely benign for SLC34A2-related condition. Last evaluated: 2024-03-19. Review status: no assertion criteria provided. Collection method: clinical testing. Allele origin: germline.
Comment: This variant is classified as likely benign based on ACMG/AMP sequence variant interpretation guidelines (Richards et al. 2015 PMID: 25741868, with internal and published modifications).

NM_006424.3(SLC34A2):c.251-5T>G

Gene: SLC34A2 (solute carrier family 34 member 2; plus strand). Cytogenetic location: 4p15.2.
Variant type: single nucleotide variant.
Coding change: c.251-5T>G on transcript NM_006424.3 (MANE Select); 5 bases into the intron before coding-DNA position 251, T replaced by G.
Molecular consequence: intron variant.
Genome position (GRCh38, 1-based): chr4:25,664,197, T>G. VCF-style: chr4-25664197-T-G. GRCh37 (hg19) VCF-style: chr4-25665819-T-G.
Other names: c.248-5T>G (NM_001177998.2, NM_001177999.2).
Identifiers: ClinVar variation 3352718 (VCV003352718.1).
Genomic context (GRCh38, chr4:25,664,197, plus strand): 5'-TCAGGGTTTCCAACACTAAAAGTTTCATGCCTTTCTCTCTCTCCCCCCATCCCACCCCCC[T>G]GCAGAGAGAGACACCAAAGGGAAGATTCTCTGTTTCTTCCAAGGGATTGGGAGATTGATT-3'